The following is an entry in ClinVar:

NM_021625.5(TRPV4):c.404C>T (p.Pro135Leu)

Gene: TRPV4 (transient receptor potential cation channel subfamily V member 4; minus strand). Cytogenetic location: 12q24.11.
Variant type: single nucleotide variant.
Coding change: c.404C>T on transcript NM_021625.5 (MANE Select); coding-DNA position 404, C replaced by T.
Protein change: p.Pro135Leu; replaces proline 135 with leucine.
Molecular consequence: missense variant.
Genome position (GRCh38, 1-based): chr12:109,808,451, G>A on the plus strand (C>T on the coding strand, the complement: TRPV4 is on the minus strand). VCF-style: chr12-109808451-G-A. GRCh37 (hg19) VCF-style: chr12-110246256-G-A.
Other names: c.404C>T, p.Pro135Leu (NM_001177428.2, NM_001177433.2, NM_147204.3); c.302C>T, p.Pro101Leu (NM_001177431.2); short protein forms P135L, P101L.
Identifiers: ClinVar variation 3670375 (VCV003670375.2).

ClinVar aggregate classification (germline): Uncertain significance (1 of 4 stars; one submission).

Conditions:
Charcot-Marie-Tooth disease axonal type 2C (HMSN2C). Also called: CHARCOT-MARIE-TOOTH DISEASE, AXONAL, AUTOSOMAL DOMINANT, TYPE 2C; Charcot-Marie-Tooth Neuropathy Type 2C; Charcot-Marie-Tooth Disease Type 2, TRPV4-Related (CMT2C). Identifiers: Orphanet 99937, MedGen C1853710, MONDO:0011633, OMIM 606071.

Submission:

Labcorp Genetics (formerly Invitae), Labcorp
Classification: Uncertain significance for Charcot-Marie-Tooth disease axonal type 2C. Last evaluated: 2024-04-09. Review status: criteria provided, single submitter. Criteria: Invitae Variant Classification Sherloc (09022015). Collection method: clinical testing. Allele origin: germline.
Comment: This sequence change replaces proline, which is neutral and non-polar, with leucine, which is neutral and non-polar, at codon 135 of the TRPV4 protein (p.Pro135Leu). This variant is not present in population databases (gnomAD no frequency). This variant has not been reported in the literature in individuals affected with TRPV4-related conditions. Advanced modeling of protein sequence and biophysical properties (such as structural, functional, and spatial information, amino acid conservation, physicochemical variation, residue mobility, and thermodynamic stability) performed at Invitae indicates that this missense variant is not expected to disrupt TRPV4 protein function with a negative predictive value of 95%. In summary, the available evidence is currently insufficient to determine the role of this variant in disease. Therefore, it has been classified as a Variant of Uncertain Significance.